The following is an entry in ClinVar:

NM_182977.3(NNT):c.1834G>A (p.Ala612Thr)

Gene: NNT (nicotinamide nucleotide transhydrogenase; plus strand). Cytogenetic location: 5p12.
Variant type: single nucleotide variant.
Coding change: c.1834G>A on transcript NM_182977.3 (MANE Select); coding-DNA position 1834, G replaced by A.
Protein change: p.Ala612Thr; replaces alanine 612 with threonine.
Molecular consequence: missense variant.
Genome position (GRCh38, 1-based): chr5:43,651,855, G>A. VCF-style: chr5-43651855-G-A. GRCh37 (hg19) VCF-style: chr5-43651957-G-A.
Other names: c.1441G>A, p.Ala481Thr (NM_001331026.2); c.1834G>A, p.Ala612Thr (NM_012343.4); short protein forms A481T, A612T.
Identifiers: ClinVar variation 2230165 (VCV002230165.2), dbSNP rs2478556235, ClinGen allele CA359660381.

ClinVar aggregate classification (germline): Uncertain significance (1 of 4 stars; one submission).

Conditions:
Inborn genetic diseases. Identifiers: MedGen C0950123, MeSH D030342.

Submission:

Ambry Genetics
Classification: Uncertain significance for Inborn genetic diseases. Last evaluated: 2021-04-21. Review status: criteria provided, single submitter. Criteria: Ambry Variant Classification Scheme 2023. Collection method: clinical testing. Allele origin: germline.
Comment: The c.1834G>A (p.A612T) alteration is located in exon 13 (coding exon 12) of the NNT gene. This alteration results from a G to A substitution at nucleotide position 1834, causing the alanine (A) at amino acid position 612 to be replaced by a threonine (T). The p.A612T alteration is predicted to be tolerated by in silico analysis. Based on insufficient or conflicting evidence, the clinical significance of this alteration remains unclear.